The following is an entry in ClinVar:

ClinVar aggregate classification (germline): Pathogenic (1 of 4 stars; one submission).

Conditions:
X-linked lymphoproliferative disease due to XIAP deficiency. Also called: XIAP-Related Lymphoproliferative Disease, X-Linked; XIAP DEFICIENCY. Identifiers: Orphanet 2442, Orphanet 538934, MedGen C1845076, MONDO:0010385, OMIM 300635.

Allele frequency attached by ClinVar (database versions not stated): gnomAD exomes 0.00001.
gnomAD v4.1: 14 of 1,047,550 alleles (0.0013%); highest among the groups gnomAD compares: Non-Finnish European, 0.0018%; no homozygotes.

Submission:

Labcorp Genetics (formerly Invitae), Labcorp
Classification: Pathogenic for X-linked lymphoproliferative disease due to XIAP deficiency. Last evaluated: 2021-06-14. Review status: criteria provided, single submitter. Criteria: Invitae Variant Classification Sherloc (09022015). Collection method: clinical testing. Allele origin: germline.
Comment: The frequency data for this variant in the population databases is considered unreliable, as metrics indicate poor data quality at this position in the ExAC database. This sequence change creates a premature translational stop signal (p.Glu350*) in the XIAP gene. It is expected to result in an absent or disrupted protein product. Loss-of-function variants in XIAP are known to be pathogenic (PMID: 17080092, 21119115, 25666262). This variant has not been reported in the literature in individuals with XIAP-related conditions. For these reasons, this variant has been classified as Pathogenic.

Literature cited by the submitters: PubMed 17080092; PubMed 21119115; PubMed 25666262.

NM_001167.4(XIAP):c.1048G>T (p.Glu350Ter)

Gene: XIAP (X-linked inhibitor of apoptosis; plus strand). Cytogenetic location: Xq25.
Variant type: single nucleotide variant.
Coding change: c.1048G>T on transcript NM_001167.4 (MANE Select); coding-DNA position 1048, G replaced by T.
Protein change: p.Glu350Ter; replaces glutamic acid 350 with a stop codon.
Molecular consequence: nonsense. On other transcripts: non-coding transcript variant (2).
Genome position (GRCh38, 1-based): chrX:123,891,308, G>T. VCF-style: chrX-123891308-G-T. GRCh37 (hg19) VCF-style: chrX-123025158-G-T.
Other names: c.1048G>T, p.Glu350Ter (NM_001204401.2, NM_001378590.1, NM_001378591.1 and 1 more transcripts); short protein forms E350*.
Identifiers: ClinVar variation 1456269 (VCV001456269.6), dbSNP rs773573633, ClinGen allele CA10508099.